The following is an entry in ClinVar:

ClinVar aggregate classification (germline): Conflicting classifications of pathogenicity. Review status: criteria provided, conflicting classifications (1 of 4 stars). 2 submissions from 2 submitters: Uncertain significance (1); Likely benign (1). Last evaluated 2023-06-07.

Conditions:
Inborn genetic diseases. Identifiers: MedGen C0950123, MeSH D030342.
Bardet-Biedl syndrome (BBS). Identifiers: Orphanet 110, MedGen C0752166, MONDO:0015229.

Allele frequency attached by ClinVar (database versions not stated): gnomAD 0.00001 and 0.00002; gnomAD exomes 0.00001 and 0.00003; ExAC 0.00002; TOPMed 0.00002; 1000 Genomes Project 0.00020; 1000 Genomes Project 30x 0.00031.
gnomAD v4.1: 14 of 1,613,928 alleles (0.00087%); highest among the groups gnomAD compares: East Asian, 0.025%; no homozygotes.

Submissions (2):

Ambry Genetics
Classification: Likely benign for Inborn genetic diseases. Last evaluated: 2023-06-07. Review status: criteria provided, single submitter. Criteria: Ambry Variant Classification Scheme 2023. Collection method: clinical testing. Allele origin: germline.

Labcorp Genetics (formerly Invitae), Labcorp
Classification: Uncertain significance for Bardet-Biedl syndrome. Last evaluated: 2023-04-05. Review status: criteria provided, single submitter. Criteria: Invitae Variant Classification Sherloc (09022015). Collection method: clinical testing. Allele origin: germline.
Comment: Advanced modeling of protein sequence and biophysical properties (such as structural, functional, and spatial information, amino acid conservation, physicochemical variation, residue mobility, and thermodynamic stability) performed at Invitae indicates that this missense variant is not expected to disrupt WDPCP protein function. ClinVar contains an entry for this variant (Variation ID: 1004710). This variant has not been reported in the literature in individuals affected with WDPCP-related conditions. This variant is present in population databases (rs572858289, gnomAD 0.04%). This sequence change replaces proline, which is neutral and non-polar, with leucine, which is neutral and non-polar, at codon 661 of the WDPCP protein (p.Pro661Leu). In summary, the available evidence is currently insufficient to determine the role of this variant in disease. Therefore, it has been classified as a Variant of Uncertain Significance.

NM_015910.7(WDPCP):c.1982C>T (p.Pro661Leu)

Gene: WDPCP (WD repeat containing planar cell polarity effector; minus strand). Cytogenetic location: 2p15.
Variant type: single nucleotide variant.
Coding change: c.1982C>T on transcript NM_015910.7 (MANE Select); coding-DNA position 1982, C replaced by T.
Protein change: p.Pro661Leu; replaces proline 661 with leucine.
Molecular consequence: missense variant. On other transcripts: non-coding transcript variant (3).
Genome position (GRCh38, 1-based): chr2:63,174,766, G>A on the plus strand (C>T on the coding strand, the complement: WDPCP is on the minus strand). VCF-style: chr2-63174766-G-A. GRCh37 (hg19) VCF-style: chr2-63401901-G-A.
Other names: c.1505C>T, p.Pro502Leu (NM_001042692.3); c.1910C>T, p.Pro637Leu (NM_001354044.2); c.1982C>T (NM_015910.5); short protein forms P502L, P637L, P661L.
Identifiers: ClinVar variation 1004710 (VCV001004710.8), dbSNP rs572858289, ClinGen allele CA1682035.